The following is an entry in ClinVar:

ClinVar aggregate classification (germline): Conflicting classifications of pathogenicity. Review status: criteria provided, conflicting classifications (1 of 4 stars). 8 submissions from 8 submitters: Uncertain significance (7); Likely benign (1). Last evaluated 2025-12-29.

Conditions:
Hereditary cancer-predisposing syndrome. Also called: Tumor predisposition; Hereditary Cancer Syndrome; Hereditary neoplastic syndrome; Neoplastic Syndromes, Hereditary. Identifiers: Orphanet 140162, MedGen C0027672, MeSH D009386, MONDO:0015356.
Classic or attenuated familial adenomatous polyposis. Identifiers: MedGen CN372698, MONDO:0021057.
Familial adenomatous polyposis 1 (FAP1). Also called: FAMILIAL ADENOMATOUS POLYPOSIS 1, ATTENUATED; POLYPOSIS, ADENOMATOUS INTESTINAL. Identifiers: MedGen C2713442, MONDO:0021056, OMIM 175100. Disease mechanism: loss of function.

Allele frequency attached by ClinVar (database versions not stated): gnomAD 0.00001; gnomAD exomes 0.00003 and 0.00004; ExAC 0.00010.
gnomAD v4.1: 24 of 1,614,054 alleles (0.0015%); highest among the groups gnomAD compares: African/African-American, 0.0013%; no homozygotes.

Submissions (8):

Center for Genomic Medicine, Rigshospitalet, Copenhagen University Hospital
Classification: Uncertain significance. Last evaluated: 2025-12-29. Review status: criteria provided, single submitter. Criteria: ACMG Guidelines, 2015. Collection method: clinical testing. Allele origin: germline.
Comment: Classification criteria: PM2_Supporting

Labcorp Genetics (formerly Invitae), Labcorp
Classification: Uncertain significance for Familial adenomatous polyposis 1. Last evaluated: 2025-12-14. Review status: criteria provided, single submitter. Criteria: Invitae Variant Classification Sherloc (09022015). Collection method: clinical testing. Allele origin: germline.
Comment: This sequence change replaces threonine, which is neutral and polar, with alanine, which is neutral and non-polar, at codon 626 of the APC protein (p.Thr626Ala). This variant is present in population databases (rs771748555, gnomAD 0.02%). This missense change has been observed in individual(s) with familial adenomatous polyposis (FAP) (PMID: 23159591, 35189564). ClinVar contains an entry for this variant (Variation ID: 421285). Invitae Evidence Modeling of protein sequence and biophysical properties (such as structural, functional, and spatial information, amino acid conservation, physicochemical variation, residue mobility, and thermodynamic stability) indicates that this missense variant is not expected to disrupt APC protein function with a negative predictive value of 95%. In summary, the available evidence is currently insufficient to determine the role of this variant in disease. Therefore, it has been classified as a Variant of Uncertain Significance.

GeneDx
Classification: Uncertain significance. Last evaluated: 2024-06-24. Review status: criteria provided, single submitter. Criteria: GeneDx Variant Classification Process June 2021. Collection method: clinical testing. Allele origin: germline. Affected: yes.
Comment: In silico analysis indicates that this missense variant does not alter protein structure/function; This variant is associated with the following publications: (PMID: 23159591, 18199528, 35189564)

All of Us Research Program, National Institutes of Health
Classification: Uncertain significance for Classic or attenuated familial adenomatous polyposis. Last evaluated: 2024-05-14. Review status: criteria provided, single submitter. Criteria: ACMG Guidelines, 2015. Collection method: clinical testing. Allele origin: germline. Inheritance: Autosomal dominant inheritance. Observed: 3 variant alleles, 3 heterozygotes.
Comment: This missense variant replaces threonine with alanine at codon 626 of the APC protein. Computational prediction is inconclusive regarding the impact of this variant on protein structure and function (internally defined REVEL score threshold 0.5 < inconclusive < 0.7, PMID: 27666373). To our knowledge, functional studies have not been reported for this variant. This variant has been reported in an individual affected with familial adenomatous polyposis (PMID: 23159591) and an individual affected with colorectal and breast cancers (PMID: 35189564). This variant has been identified in 11/282770 chromosomes in the general population by the Genome Aggregation Database (gnomAD). The available evidence is insufficient to determine the role of this variant in disease conclusively. Therefore, this variant is classified as a Variant of Uncertain Significance.

This study involves interpretation of variants in research participants for the purpose of population health screening. Participant phenotype was not available at the time of variant classification. Additional details can be found in publication PMID: 35346344, PMCID: PMC8962531

Baylor Genetics
Classification: Uncertain significance for Familial adenomatous polyposis 1. Last evaluated: 2024-03-22. Review status: criteria provided, single submitter. Criteria: ACMG Guidelines, 2015. Collection method: clinical testing. Allele origin: unknown.

Color Diagnostics, LLC DBA Color Health
Classification: Uncertain significance for Hereditary cancer-predisposing syndrome. Last evaluated: 2023-06-08. Review status: criteria provided, single submitter. Criteria: ACMG Guidelines, 2015. Collection method: clinical testing. Allele origin: germline.
Comment: This missense variant replaces threonine with alanine at codon 626 of the APC protein. Computational prediction is inconclusive regarding the impact of this variant on protein structure and function (internally defined REVEL score threshold 0.5 < inconclusive < 0.7, PMID: 27666373). To our knowledge, functional studies have not been reported for this variant. This variant has been reported in an individual affected with familial adenomatous polyposis (PMID: 23159591) and an individual affected with colorectal and breast cancers (PMID: 35189564). This variant has been identified in 11/282770 chromosomes in the general population by the Genome Aggregation Database (gnomAD). The available evidence is insufficient to determine the role of this variant in disease conclusively. Therefore, this variant is classified as a Variant of Uncertain Significance.

Blueprint Genetics
Classification: Uncertain significance. Last evaluated: 2022-06-02. Review status: criteria provided, single submitter. Criteria: ACMG Guidelines, 2015. Collection method: clinical testing. Allele origin: germline.

Ambry Genetics
Classification: Likely benign for Hereditary cancer-predisposing syndrome. Last evaluated: 2022-01-18. Review status: criteria provided, single submitter. Criteria: Ambry Variant Classification Scheme 2023. Collection method: clinical testing. Allele origin: germline.

Literature cited by the submitters: PubMed 23159591 (cited by 4 submitters); PubMed 35189564 (cited by 3 submitters).

NM_000038.6(APC):c.1876A>G (p.Thr626Ala)

Gene: APC (APC regulator of Wnt signaling pathway; plus strand). Cytogenetic location: 5q22.2.
Variant type: single nucleotide variant.
Coding change: c.1876A>G on transcript NM_000038.6 (MANE Select); coding-DNA position 1876, A replaced by G.
Protein change: p.Thr626Ala; replaces threonine 626 with alanine.
Molecular consequence: missense variant.
Genome position (GRCh38, 1-based): chr5:112,835,083, A>G. VCF-style: chr5-112835083-A-G. GRCh37 (hg19) VCF-style: chr5-112170780-A-G.
Other names: c.1876A>G, p.Thr626Ala (NM_001127510.3, NM_001354895.2); c.1822A>G, p.Thr608Ala (NM_001127511.3); c.1930A>G, p.Thr644Ala (NM_001354896.2); c.1906A>G, p.Thr636Ala (NM_001354897.2); c.1801A>G, p.Thr601Ala (NM_001354898.2); c.1792A>G, p.Thr598Ala (NM_001354899.2); c.1753A>G, p.Thr585Ala (NM_001354900.2); c.1699A>G, p.Thr567Ala (NM_001354901.2); and 5 more; short protein forms T608A, T626A, T585A, T644A, T466A, T525A, T601A, T500A.
Identifiers: ClinVar variation 421285 (VCV000421285.27), dbSNP rs771748555, ClinGen allele CA029787.
Genomic context (GRCh38, chr5:112,835,083, plus strand): 5'-ATATGTGCTGTAGATGGTGCACTTGCATTTTTGGTTGGCACTCTTACTTACCGGAGCCAG[A>G]CAAACACTTTAGCCATTATTGAAAGTGGAGGTGGGATATTACGGAATGTGTCCAGCTTGA-3'
Protein context (NP_000029.2, residues 616-636): LVGTLTYRSQ[Thr626Ala]NTLAIIESGG